The following is an entry in ClinVar:

NM_016592.5(GNAS):c.375C>T (p.Phe125=)

Genes: GNAS (GNAS complex locus; plus strand), GNAS-AS1 (GNAS antisense RNA 1; minus strand). Cytogenetic location: 20q13.32.
Variant type: single nucleotide variant.
Coding change: c.375C>T on transcript NM_016592.5 (MANE Plus Clinical); coding-DNA position 375, C replaced by T.
Protein change: p.Phe125=; no amino-acid change (phenylalanine 125 retained).
Molecular consequence: synonymous variant. On other transcripts: 5 prime UTR variant (1).
Genome position (GRCh38, 1-based): chr20:58,840,481, C>T. VCF-style: chr20-58840481-C-T. GRCh37 (hg19) VCF-style: chr20-57415536-C-T.
Other names: c.-363C>T (NM_001410912.1).
Identifiers: ClinVar variation 3048537 (VCV003048537.2), dbSNP rs200256285, ClinGen allele CA9926316.

ClinVar aggregate classification (germline): Likely benign (0 of 4 stars; one submission).

Conditions:
GNAS-related disorder. Identifiers: MedGen CN380105.

Allele frequency attached by ClinVar (database versions not stated): TOPMed 0.00001; gnomAD 0.00002; ExAC 0.00008; 1000 Genomes Project 0.00020; 1000 Genomes Project 30x 0.00031.
gnomAD v4.1: 13 of 1,613,544 alleles (0.00081%); highest among the groups gnomAD compares: Admixed American, 0.02%; no homozygotes.

Submission:

PreventionGenetics, part of Exact Sciences
Classification: Likely benign for GNAS-related condition. Last evaluated: 2019-12-13. Review status: no assertion criteria provided. Collection method: clinical testing. Allele origin: germline.
Comment: This variant is classified as likely benign based on ACMG/AMP sequence variant interpretation guidelines (Richards et al. 2015 PMID: 25741868, with internal and published modifications).